The following is an entry in ClinVar:

NM_078480.3(PUF60):c.893G>A (p.Arg298Gln)

Gene: PUF60 (poly(U) binding splicing factor 60; minus strand). Cytogenetic location: 8q24.3.
Variant type: single nucleotide variant.
Coding change: c.893G>A on transcript NM_078480.3 (MANE Select); coding-DNA position 893, G replaced by A.
Protein change: p.Arg298Gln; replaces arginine 298 with glutamine.
Molecular consequence: missense variant.
Genome position (GRCh38, 1-based): chr8:143,817,707, C>T on the plus strand (G>A on the coding strand, the complement: PUF60 is on the minus strand). VCF-style: chr8-143817707-C-T. GRCh37 (hg19) VCF-style: chr8-144899877-C-T.
Other names: c.764G>A, p.Arg255Gln (NM_001136033.3); c.839G>A, p.Arg280Gln (NM_001271096.2); c.755G>A, p.Arg252Gln (NM_001271097.2); c.890G>A, p.Arg297Gln (NM_001271098.2); c.806G>A, p.Arg269Gln (NM_001271099.2); c.713G>A, p.Arg238Gln (NM_001271100.2); c.1004G>A, p.Arg335Gln (NM_001362895.2, NM_001362896.2); c.953G>A, p.Arg318Gln (NM_001362897.2); and 1 more; short protein forms R238Q, R252Q, R255Q, R269Q, R280Q, R281Q, R297Q, R298Q.
Identifiers: ClinVar variation 3366020 (VCV003366020.2).
Genomic context (GRCh38, chr8:143,817,707, plus strand): 5'-AGGCCTCCAGGCGTGGCTGGTGTGAGTAGGGGCATGGGCGGTGTGACAGCCTTGCCCACC[C>T]GCAAGTACTGGCCACCCAGGTCAAAGAGGTTCATGGAAGACACAGCATCTTGGGACGACT-3'
Protein context (NP_510965.1, residues 288-308): NLFDLGGQYL[Arg298Gln]VGKAVTPPMP

ClinVar aggregate classification (germline): Uncertain significance (1 of 4 stars; one submission).

Submission:

GeneDx
Classification: Uncertain significance. Last evaluated: 2025-08-12. Review status: criteria provided, single submitter. Criteria: GeneDx Variant Classification Process June 2021. Collection method: clinical testing. Allele origin: germline.
Comment: Not observed at significant frequency in large population cohorts (gnomAD); In silico analysis supports that this missense variant has a deleterious effect on protein structure/function; Has not been previously published as pathogenic or benign to our knowledge